The following is an entry in ClinVar:

ClinVar aggregate classification (germline): Uncertain significance. Review status: criteria provided, multiple submitters, no conflicts (2 of 4 stars). 2 submissions from 2 submitters: Uncertain significance (2). Last evaluated 2025-07-22.

Allele frequency attached by ClinVar (database versions not stated): TOPMed below 0.00001; gnomAD exomes 0.00001.
gnomAD v4.1: 7 of 1,611,618 alleles (0.00043%); highest among the groups gnomAD compares: East Asian, 0.0022%; no homozygotes.

Submissions (2):

Women's Health and Genetics/Laboratory Corporation of America, LabCorp
Classification: Uncertain significance. Last evaluated: 2025-07-22. Review status: criteria provided, single submitter. Criteria: LabCorp Variant Classification Summary - May 2015. Collection method: clinical testing. Allele origin: germline.
Comment: Variant summary: C1S c.1033G>A (p.Gly345Arg) results in a non-conservative amino acid change in the encoded protein sequence. Algorithms developed to predict the effect of missense changes on protein structure and function all suggest that this variant is likely to be disruptive. The variant allele was found at a frequency of 8e-06 in 251448 control chromosomes. The available data on variant occurrences in the general population are insufficient to allow any conclusion about variant significance. To our knowledge, no occurrence of c.1033G>A in individuals affected with Complement component C1s deficiency and no experimental evidence demonstrating its impact on protein function have been reported. ClinVar contains an entry for this variant (Variation ID: 2963365). Based on the evidence outlined above, the variant was classified as uncertain significance.

Labcorp Genetics (formerly Invitae), Labcorp
Classification: Uncertain significance. Last evaluated: 2023-02-02. Review status: criteria provided, single submitter. Criteria: Invitae Variant Classification Sherloc (09022015). Collection method: clinical testing. Allele origin: germline.
Comment: This sequence change replaces glycine, which is neutral and non-polar, with arginine, which is basic and polar, at codon 345 of the C1S protein (p.Gly345Arg). This variant is present in population databases (no rsID available, gnomAD 0.002%). This variant has not been reported in the literature in individuals affected with C1S-related conditions. Advanced modeling of protein sequence and biophysical properties (such as structural, functional, and spatial information, amino acid conservation, physicochemical variation, residue mobility, and thermodynamic stability) performed at Invitae indicates that this missense variant is expected to disrupt C1S protein function. Algorithms developed to predict the effect of sequence changes on RNA splicing suggest that this variant may disrupt the consensus splice site. In summary, the available evidence is currently insufficient to determine the role of this variant in disease. Therefore, it has been classified as a Variant of Uncertain Significance.

NM_001734.5(C1S):c.1033G>A (p.Gly345Arg)

Gene: C1S (complement C1s; plus strand). Cytogenetic location: 12p13.31.
Variant type: single nucleotide variant.
Coding change: c.1033G>A on transcript NM_001734.5 (MANE Select); coding-DNA position 1033, G replaced by A.
Protein change: p.Gly345Arg; replaces glycine 345 with arginine.
Molecular consequence: missense variant.
Genome position (GRCh38, 1-based): chr12:7,067,084, G>A. VCF-style: chr12-7067084-G-A. GRCh37 (hg19) VCF-style: chr12-7174388-G-A.
Other names: c.532G>A, p.Gly178Arg (NM_001346850.2); c.1033G>A, p.Gly345Arg (NM_201442.4); short protein forms G178R, G345R.
Identifiers: ClinVar variation 2963365 (VCV002963365.4), dbSNP rs782700707, ClinGen allele CA383700054.